The following is an entry in ClinVar:

ClinVar aggregate classification (germline): Uncertain significance (1 of 4 stars; one submission).

Conditions:
Cardiovascular phenotype. Identifiers: MedGen CN230736.
Hereditary cancer-predisposing syndrome. Also called: Tumor predisposition; Neoplastic Syndromes, Hereditary; Hereditary Cancer Syndrome; Hereditary neoplastic syndrome. Identifiers: Orphanet 140162, MedGen C0027672, MeSH D009386, MONDO:0015356.

Submission:

Ambry Genetics
Classification: Uncertain significance for Cardiovascular phenotype; Hereditary cancer-predisposing syndrome. Last evaluated: 2025-01-17. Review status: criteria provided, single submitter. Criteria: Ambry Variant Classification Scheme 2023. Collection method: clinical testing. Allele origin: germline.
Comment: The c.690_692delATT variant (also known as p.E230_F231delinsD) is located in coding exon 7 of the NF1 gene. This variant results from an in-frame ATT deletion at nucleotide positions 690 to 692. The at codon 230 is replaced by aspartic acid , an amino acid with highly similar properties. This amino acid region is highly conserved in available vertebrate species. In addition, this alteration is predicted to be deleterious by in silico analysis (Choi Y et al. PLoS ONE. 2012; 7(10):e46688). Since supporting evidence is limited at this time, the clinical significance of this alteration remains unclear.

NM_001042492.3(NF1):c.690_692del (p.Glu230_Phe231delinsAsp)

Gene: NF1 (neurofibromin 1; plus strand). Cytogenetic location: 17q11.2.
Variant type: Deletion.
Coding change: c.690_692del on transcript NM_001042492.3 (MANE Select); coding-DNA positions 690 to 692, 3 bases deleted (ATT; older notation c.690_692delATT).
Protein change: p.Glu230_Phe231delinsAsp.
Molecular consequence: inframe indel.
Genome position (GRCh38, 1-based): chr17:31,181,745-31,181,747, ATT deleted. VCF-style (leftmost placement, unchanged base first): chr17-31181744-AATT-A. GRCh37 (hg19) VCF-style: chr17-29508762-AATT-A.
Other names: c.690_692delATT, p.Glu230_Phe231delinsAsp (NM_000267.4); c.690_692del, p.Glu230_Phe231delinsAsp (NM_001128147.3); c.690_692delATT (NM_000267.3).
Identifiers: ClinVar variation 3879031 (VCV003879031.1).